The following is an entry in ClinVar:

ClinVar aggregate classification (germline): Uncertain significance (1 of 4 stars; one submission).

Submission:

Labcorp Genetics (formerly Invitae), Labcorp
Classification: Uncertain significance. Last evaluated: 2024-04-03. Review status: criteria provided, single submitter. Criteria: Invitae Variant Classification Sherloc (09022015). Collection method: clinical testing. Allele origin: germline.
Comment: This sequence change replaces glutamic acid, which is acidic and polar, with glycine, which is neutral and non-polar, at codon 237 of the OPA1 protein (p.Glu237Gly). This variant is not present in population databases (gnomAD no frequency). This variant has not been reported in the literature in individuals affected with OPA1-related conditions. Advanced modeling of protein sequence and biophysical properties (such as structural, functional, and spatial information, amino acid conservation, physicochemical variation, residue mobility, and thermodynamic stability) performed at Invitae indicates that this missense variant is expected to disrupt OPA1 protein function with a positive predictive value of 80%. In summary, the available evidence is currently insufficient to determine the role of this variant in disease. Therefore, it has been classified as a Variant of Uncertain Significance.

NM_130837.3(OPA1):c.875A>G (p.Glu292Gly)

Gene: OPA1 (OPA1 mitochondrial dynamin like GTPase; plus strand). Cytogenetic location: 3q29.
Variant type: single nucleotide variant.
Coding change: c.875A>G on transcript NM_130837.3 (MANE Select); coding-DNA position 875, A replaced by G.
Protein change: p.Glu292Gly; replaces glutamic acid 292 with glycine.
Molecular consequence: missense variant.
Genome position (GRCh38, 1-based): chr3:193,635,449, A>G. VCF-style: chr3-193635449-A-G. GRCh37 (hg19) VCF-style: chr3-193353238-A-G.
Other names: c.341A>G, p.Glu114Gly (NM_001354663.2); c.338A>G, p.Glu113Gly (NM_001354664.2); c.710A>G, p.Glu237Gly (NM_015560.3); c.602A>G, p.Glu201Gly (NM_130831.3); c.656A>G, p.Glu219Gly (NM_130832.3); c.713A>G, p.Glu238Gly (NM_130833.3); c.764A>G, p.Glu255Gly (NM_130834.3); c.767A>G, p.Glu256Gly (NM_130835.3); and 1 more; short protein forms E219G, E238G, E256G, E114G, E201G, E237G, E274G, E113G.
Identifiers: ClinVar variation 3648059 (VCV003648059.2).
Genomic context (GRCh38, chr3:193,635,449, plus strand): 5'-ATATAGTTACACTTATTATTTTATTGCAGTTGAAGTATCAGAGAATCTTGGAACGATTAG[A>G]AAAGGAGAACAAAGAATTGAGAAAATTAGTATTGCAGAAAGATGACAAAGGCATTCATCA-3'
Protein context (NP_570850.2, residues 282-302): LKYQRILERL[Glu292Gly]KENKELRKLV